The following is an entry in ClinVar:

NM_002485.5(NBN):c.2070+5G>C

Gene: NBN (nibrin; minus strand). Cytogenetic location: 8q21.3.
Variant type: single nucleotide variant.
Coding change: c.2070+5G>C on transcript NM_002485.5 (MANE Select); 5 bases into the intron after coding-DNA position 2070, G replaced by C.
Molecular consequence: intron variant.
Genome position (GRCh38, 1-based): chr8:89,946,135, C>G on the plus strand (G>C on the coding strand, the complement: NBN is on the minus strand). VCF-style: chr8-89946135-C-G. GRCh37 (hg19) VCF-style: chr8-90958363-C-G.
Other names: c.1824+5G>C (NM_001024688.3).
Identifiers: ClinVar variation 1785378 (VCV001785378.2), dbSNP rs1323512485, ClinGen allele CA583577374.

ClinVar aggregate classification (germline): Uncertain significance (1 of 4 stars; one submission).

Conditions:
Hereditary cancer-predisposing syndrome. Also called: Neoplastic Syndromes, Hereditary; Tumor predisposition; Hereditary Cancer Syndrome; Hereditary neoplastic syndrome. Identifiers: Orphanet 140162, MedGen C0027672, MeSH D009386, MONDO:0015356.

gnomAD v4.1: 1 of 1,561,718 alleles (0.000064%); highest among the groups gnomAD compares: Non-Finnish European, 0.000088%; no homozygotes.

Submission:

Ambry Genetics
Classification: Uncertain significance for Hereditary cancer-predisposing syndrome. Last evaluated: 2022-09-22. Review status: criteria provided, single submitter. Criteria: Ambry Variant Classification Scheme 2023. Collection method: clinical testing. Allele origin: germline.
Comment: The c.2070+5G>C intronic variant results from a G to C substitution 5 nucleotides after coding exon 13 in the NBN gene. This nucleotide position is highly conserved in available vertebrate species. In silico splice site analysis predicts that this alteration will weaken the native splice donor site and may result in the creation or strengthening of a novel splice donor site. Since supporting evidence is limited at this time, the clinical significance of this alteration remains unclear.